The following is an entry in ClinVar:

ClinVar aggregate classification (germline): Uncertain significance (1 of 4 stars; one submission).

Allele frequency attached by ClinVar (database versions not stated): gnomAD exomes below 0.00001; TOPMed below 0.00001; ExAC 0.00002.
gnomAD v4.1: 6 of 1,613,396 alleles (0.00037%); highest among the groups gnomAD compares: South Asian, 0.0055%; no homozygotes.

Submission:

Ambry Genetics
Classification: Uncertain significance. Last evaluated: 2022-02-09. Review status: criteria provided, single submitter. Criteria: Ambry Variant Classification Scheme 2023. Collection method: clinical testing. Allele origin: germline.
Comment: The c.3551-4A>G intronic variant results from an A to G substitution 4 nucleotides upstream from coding exon 32 in the KIF1B gene. This nucleotide position is not well conserved in available vertebrate species. In silico splice site analysis predicts that this alteration may weaken the native splice acceptor site and will result in the creation or strengthening of a novel splice acceptor site. Since supporting evidence is limited at this time, the clinical significance of this alteration remains unclear.

NM_001365951.3(KIF1B):c.3689-4A>G

Gene: KIF1B (kinesin family member 1B; plus strand). Cytogenetic location: 1p36.22.
Variant type: single nucleotide variant.
Coding change: c.3689-4A>G on transcript NM_001365951.3 (MANE Select); 4 bases into the intron before coding-DNA position 3689, A replaced by G.
Molecular consequence: intron variant.
Genome position (GRCh38, 1-based): chr1:10,345,841, A>G. VCF-style: chr1-10345841-A-G. GRCh37 (hg19) VCF-style: chr1-10405899-A-G.
Other names: c.3551-4A>G (NM_015074.3); c.3689-4A>G (NM_001365952.1).
Identifiers: ClinVar variation 1732599 (VCV001732599.2), dbSNP rs767558248, ClinGen allele CA581858.